The following is an entry in ClinVar:

NM_182961.4(SYNE1):c.8716G>A (p.Glu2906Lys)

Genes: SYNE1 (spectrin repeat containing nuclear envelope protein 1; minus strand), SYNE1-AS1 (SYNE1 antisense RNA 1; plus strand). Cytogenetic location: 6q25.2.
Variant type: single nucleotide variant.
Coding change: c.8716G>A on transcript NM_182961.4 (MANE Select); coding-DNA position 8716, G replaced by A.
Protein change: p.Glu2906Lys; replaces glutamic acid 2906 with lysine.
Molecular consequence: missense variant. On other transcripts: non-coding transcript variant (1).
Genome position (GRCh38, 1-based): chr6:152,381,299, C>T on the plus strand (G>A on the coding strand, the complement: SYNE1 is on the minus strand). VCF-style: chr6-152381299-C-T. GRCh37 (hg19) VCF-style: chr6-152702434-C-T.
Other names: c.8737G>A, p.Glu2913Lys (NM_033071.5); short protein forms E2913K, E2906K.
Identifiers: ClinVar variation 579192 (VCV000579192.11), dbSNP rs140568392, ClinGen allele CA4057472.

ClinVar aggregate classification (germline): Uncertain significance. Review status: criteria provided, multiple submitters, no conflicts (2 of 4 stars). 3 submissions from 3 submitters: Uncertain significance (3). Last evaluated 2023-02-06.

Conditions:
SYNE1-related disorder. Also called: SYNE1-related disorders; SYNE1-related disease; SYNE1-related condition.
Emery-Dreifuss muscular dystrophy 4, autosomal dominant (EDMD4). Also called: EMERY-DREIFUSS MUSCULAR DYSTROPHY 4 WITH VARIABLE FEATURES. Identifiers: Orphanet 261, MedGen C2751807, MONDO:0013071, OMIM 612998.
Autosomal recessive ataxia, Beauce type. Also called: SYNE1-Related Autosomal Recessive Cerebellar Ataxia; Spinocerebellar ataxia, autosomal recessive 8; ATAXIA, RECESSIVE, OF BEAUCE; SYNE1 Deficiency. Identifiers: Orphanet 88644, MedGen C1853116, MONDO:0012549, OMIM 610743.

Allele frequency attached by ClinVar (database versions not stated): TOPMed 0.00004; gnomAD 0.00006 and 0.00009; gnomAD exomes 0.00001 and 0.00002; ExAC 0.00002; ESP Exome Variant Server 0.00015; 1000 Genomes Project 30x 0.00016; 1000 Genomes Project 0.00020.
gnomAD v4.1: 34 of 1,614,126 alleles (0.0021%); highest among the groups gnomAD compares: Middle Eastern, 0.016%; no homozygotes.

Submissions (3):

PreventionGenetics, part of Exact Sciences
Classification: Uncertain significance for SYNE1-related condition. Last evaluated: 2023-02-06. Review status: criteria provided, single submitter. Criteria: ACMG Guidelines, 2015. Collection method: clinical testing. Allele origin: germline.
Comment: The SYNE1 c.8737G>A variant is predicted to result in the amino acid substitution p.Glu2913Lys. To our knowledge, this variant has not been reported in the literature. This variant is reported in 0.016% of alleles in individuals of African descent in gnomAD. At this time, the clinical significance of this variant is uncertain due to the absence of conclusive functional and genetic evidence.

Labcorp Genetics (formerly Invitae), Labcorp
Classification: Uncertain significance for Emery-Dreifuss muscular dystrophy 4, autosomal dominant; Autosomal recessive ataxia, Beauce type. Last evaluated: 2022-06-04. Review status: criteria provided, single submitter. Criteria: Invitae Variant Classification Sherloc (09022015). Collection method: clinical testing. Allele origin: germline.
Comment: This sequence change replaces glutamic acid, which is acidic and polar, with lysine, which is basic and polar, at codon 2913 of the SYNE1 protein (p.Glu2913Lys). This variant is present in population databases (rs140568392, gnomAD 0.008%). This variant has not been reported in the literature in individuals affected with SYNE1-related conditions. ClinVar contains an entry for this variant (Variation ID: 579192). Algorithms developed to predict the effect of missense changes on protein structure and function (SIFT, PolyPhen-2, Align-GVGD) all suggest that this variant is likely to be tolerated. In summary, the available evidence is currently insufficient to determine the role of this variant in disease. Therefore, it has been classified as a Variant of Uncertain Significance.

Revvity Omics, Revvity
Classification: Uncertain significance. Last evaluated: 2020-06-26. Review status: criteria provided, single submitter. Criteria: ACMG Guidelines, 2015. Collection method: clinical testing. Allele origin: germline.